The following is an entry in ClinVar:

ClinVar aggregate classification (germline): Uncertain significance. Review status: criteria provided, multiple submitters, no conflicts (2 of 4 stars). 5 submissions from 5 submitters: Uncertain significance (5). Last evaluated 2025-12-19.

Conditions:
Cardiovascular phenotype. Identifiers: MedGen CN230736.
Hypertrophic cardiomyopathy 1 (CMH1). Also called: Familial hypertrophic cardiomyopathy 1; MYH7-Related Familial Hypertrophic Cardiomyopathy. Identifiers: MedGen C3495498, MONDO:0008647, OMIM 192600.
Atrial septal defect 3 (ASD3). Identifiers: Orphanet 1478, MedGen C3279790, MONDO:0013567, OMIM 614089.
Sick sinus syndrome 3, susceptibility to (SSS3). Identifiers: Orphanet 166282, MedGen C3279791, MONDO:0013568, OMIM 614090.
Dilated cardiomyopathy 1EE (CMD1EE). Identifiers: Orphanet 154, MedGen C2750466, MONDO:0013198, OMIM 613252.
Hypertrophic cardiomyopathy 14. Identifiers: MedGen C2750467, MONDO:0013197, OMIM 613251.

Allele frequency attached by ClinVar (database versions not stated): gnomAD exomes 0.00001 and 0.00003; TOPMed 0.00002; gnomAD 0.00002; ExAC 0.00001.
gnomAD v4.1: 53 of 1,614,036 alleles (0.0033%); highest among the groups gnomAD compares: African/African-American, 0.0053%; no homozygotes.

Submissions (5):

Labcorp Genetics (formerly Invitae), Labcorp
Classification: Uncertain significance for Hypertrophic cardiomyopathy 14. Last evaluated: 2025-12-19. Review status: criteria provided, single submitter. Criteria: Invitae Variant Classification Sherloc (09022015). Collection method: clinical testing. Allele origin: germline.
Comment: This sequence change replaces glutamic acid, which is acidic and polar, with lysine, which is basic and polar, at codon 1640 of the MYH6 protein (p.Glu1640Lys). This variant is present in population databases (rs748924413, gnomAD 0.01%). This missense change has been observed in individual(s) with unspecified cardiomyopathy (PMID: 30847666). ClinVar contains an entry for this variant (Variation ID: 222717). Invitae Evidence Modeling of protein sequence and biophysical properties (such as structural, functional, and spatial information, amino acid conservation, physicochemical variation, residue mobility, and thermodynamic stability) indicates that this missense variant is expected to disrupt MYH6 protein function with a positive predictive value of 80%. In summary, the available evidence is currently insufficient to determine the role of this variant in disease. Therefore, it has been classified as a Variant of Uncertain Significance.

GeneDx
Classification: Uncertain significance. Last evaluated: 2025-07-23. Review status: criteria provided, single submitter. Criteria: GeneDx Variant Classification Process June 2021. Collection method: clinical testing. Allele origin: germline. Affected: yes.
Comment: Reported in an individual with an unspecified cardiomyopathy; however, additional clinical information was not provided (PMID: 30847666); In silico analysis supports that this missense variant has a deleterious effect on protein structure/function; Not observed at significant frequency in large population cohorts (gnomAD); This variant is associated with the following publications: (PMID: 30847666)

Ambry Genetics
Classification: Uncertain significance for Cardiovascular phenotype. Last evaluated: 2023-12-01. Review status: criteria provided, single submitter. Criteria: Ambry Variant Classification Scheme 2023. Collection method: clinical testing. Allele origin: germline.
Comment: The p.E1640K variant (also known as c.4918G>A), located in coding exon 31 of the MYH6 gene, results from a G to A substitution at nucleotide position 4918. The glutamic acid at codon 1640 is replaced by lysine, an amino acid with similar properties. This variant was detected in a cardiomyopathy genetic testing cohort; however, clinical details were limited (van Lint FHM et al. Neth Heart J, 2019 Jun;27:304-309). This amino acid position is highly conserved in available vertebrate species. In addition, this alteration is predicted to be deleterious by in silico analysis. Since supporting evidence is limited at this time, the clinical significance of this alteration remains unclear.

Revvity Omics, Revvity
Classification: Uncertain significance. Last evaluated: 2023-01-25. Review status: criteria provided, single submitter. Criteria: ACMG Guidelines, 2015. Collection method: clinical testing. Allele origin: germline.

Fulgent Genetics
Classification: Uncertain significance for Hypertrophic cardiomyopathy 1; Hypertrophic cardiomyopathy 14; Dilated cardiomyopathy 1EE; Atrial septal defect 3; Sick sinus syndrome 3, susceptibility to. Last evaluated: 2022-04-29. Review status: criteria provided, single submitter. Criteria: ACMG Guidelines, 2015. Collection method: clinical testing. Allele origin: unknown.

Literature cited by the submitters: PubMed 30847666 (cited by Labcorp Genetics (formerly Invitae), Labcorp and Ambry Genetics).

NM_002471.4(MYH6):c.4918G>A (p.Glu1640Lys)

Genes: MYH6 (myosin heavy chain 6; minus strand), LOC126861896 (BRD4-independent group 4 enhancer GRCh37_chr14:23854904-23856103; plus strand). Cytogenetic location: 14q11.2.
Variant type: single nucleotide variant.
Coding change: c.4918G>A on transcript NM_002471.4 (MANE Select); coding-DNA position 4918, G replaced by A.
Protein change: p.Glu1640Lys; replaces glutamic acid 1640 with lysine.
Molecular consequence: missense variant.
Genome position (GRCh38, 1-based): chr14:23,386,356, C>T on the plus strand (G>A on the coding strand, the complement: MYH6 is on the minus strand). VCF-style: chr14-23386356-C-T. GRCh37 (hg19) VCF-style: chr14-23855565-C-T.
Other names: short protein forms E1640K.
Identifiers: ClinVar variation 222717 (VCV000222717.17), dbSNP rs748924413, ClinGen allele CA077541.